The following is an entry in ClinVar:

ClinVar aggregate classification (germline): Likely benign (1 of 4 stars; one submission).

Allele frequency attached by ClinVar (database versions not stated): 1000 Genomes Project 30x 0.02983; TOPMed 0.02983; 1000 Genomes Project 0.03195.
gnomAD v4.1: 4,197 of 152,150 alleles (2.8%); highest among the groups gnomAD compares: East Asian, 4.5%; 52 homozygotes.

Submission:

GeneDx
Classification: Likely benign. Last evaluated: 2018-06-16. Review status: criteria provided, single submitter. Criteria: GeneDx Variant Classification (06012015). Collection method: clinical testing. Allele origin: germline. Affected: yes.
Comment: This variant is considered likely benign or benign based on one or more of the following criteria: it is a conservative change, it occurs at a poorly conserved position in the protein, it is predicted to be benign by multiple in silico algorithms, and/or has population frequency not consistent with disease.

NM_001256545.2(MEGF10):c.2729-279C>T

Gene: MEGF10 (multiple EGF like domains 10; plus strand). Cytogenetic location: 5q23.2.
Variant type: single nucleotide variant.
Coding change: c.2729-279C>T on transcript NM_001256545.2 (MANE Select); 279 bases into the intron before coding-DNA position 2729, C replaced by T.
Molecular consequence: intron variant.
Genome position (GRCh38, 1-based): chr5:127,447,278, C>T. VCF-style: chr5-127447278-C-T. GRCh37 (hg19) VCF-style: chr5-126782970-C-T.
Other names: c.2729-279C>T (NM_032446.3).
Identifiers: ClinVar variation 673829 (VCV000673829.1), dbSNP rs2003863, ClinGen allele CA126967967.